The following is an entry in ClinVar:

NM_032119.4(ADGRV1):c.18214C>T (p.Leu6072Phe)

Gene: ADGRV1 (adhesion G protein-coupled receptor V1; plus strand). Cytogenetic location: 5q14.3.
Variant type: single nucleotide variant.
Coding change: c.18214C>T on transcript NM_032119.4 (MANE Select); coding-DNA position 18214, C replaced by T.
Protein change: p.Leu6072Phe; replaces leucine 6072 with phenylalanine.
Molecular consequence: missense variant. On other transcripts: non-coding transcript variant (1).
Genome position (GRCh38, 1-based): chr5:91,072,508, C>T. VCF-style: chr5-91072508-C-T. GRCh37 (hg19) VCF-style: chr5-90368325-C-T.
Other names: short protein forms L6072F.
Identifiers: ClinVar variation 1317453 (VCV001317453.9), dbSNP rs769391232, ClinGen allele CA3342593.
Genomic context (GRCh38, chr5:91,072,508, plus strand): 5'-TGTTTTATTCCAAACGTCTATGCTGCTTTGTTCACTGCAGCTCTTGTTCCTTTGACGTGC[C>T]TCGTGGTGGTGTTCGTGGTGTTCATCCATGCCTACCAGGTGAAGCCACAGTGGAAAGCAT-3'
Protein context (NP_115495.3, residues 6062-6082): FTAALVPLTC[Leu6072Phe]VVVFVVFIHA

ClinVar aggregate classification (germline): Conflicting classifications of pathogenicity. Review status: criteria provided, conflicting classifications (1 of 4 stars). 2 submissions from 2 submitters: Uncertain significance (1); Likely benign (1). Last evaluated 2023-10-23.

Allele frequency attached by ClinVar (database versions not stated): gnomAD 0.00001; ExAC 0.00002; gnomAD exomes 0.00002; TOPMed 0.00002.
gnomAD v4.1: 14 of 1,613,620 alleles (0.00087%); highest among the groups gnomAD compares: South Asian, 0.011%; no homozygotes.

Submissions (2):

Labcorp Genetics (formerly Invitae), Labcorp
Classification: Likely benign. Last evaluated: 2023-10-23. Review status: criteria provided, single submitter. Criteria: Invitae Variant Classification Sherloc (09022015). Collection method: clinical testing. Allele origin: germline.

GeneDx
Classification: Uncertain significance. Last evaluated: 2020-02-13. Review status: criteria provided, single submitter. Criteria: GeneDx Variant Classification Process June 2021. Collection method: clinical testing. Allele origin: germline. Affected: yes.
Comment: In silico analysis, which includes protein predictors and evolutionary conservation, supports that this variant does not alter protein structure/function; Has not been previously published as pathogenic or benign to our knowledge